The following is an entry in ClinVar:

NM_001370466.1(NOD2):c.50T>A (p.Leu17Gln)

Gene: NOD2 (nucleotide binding oligomerization domain containing 2; plus strand). Cytogenetic location: 16q12.1.
Variant type: single nucleotide variant.
Coding change: c.50T>A on transcript NM_001370466.1 (MANE Select); coding-DNA position 50, T replaced by A.
Protein change: p.Leu17Gln; replaces leucine 17 with glutamine.
Molecular consequence: missense variant. On other transcripts: non-coding transcript variant (1).
Genome position (GRCh38, 1-based): chr16:50,699,545, T>A. VCF-style: chr16-50699545-T-A. GRCh37 (hg19) VCF-style: chr16-50733456-T-A.
Other names: c.131T>A, p.Leu44Gln (NM_022162.3); c.50T>A, p.Leu17Gln (NM_001293557.2); short protein forms L17Q, L44Q.
Identifiers: ClinVar variation 655642 (VCV000655642.9), dbSNP rs757914381, ClinGen allele CA281250000.

ClinVar aggregate classification (germline): Uncertain significance (1 of 4 stars; one submission).

Conditions:
Regional enteritis. Also called: Enteritis, Granulomatous. Identifiers: MedGen C0678202, MeSH D003424.
Blau syndrome (BLAUS). Also called: GRANULOMATOSIS, FAMILIAL JUVENILE SYSTEMIC; GRANULOMATOSIS, FAMILIAL, BLAU TYPE; GRANULOMATOUS INFLAMMATORY ARTHRITIS, DERMATITIS, AND UVEITIS, FAMILIAL; JABS SYNDROME; ARTHROCUTANEOUVEAL GRANULOMATOSIS. Identifiers: Orphanet 90340, MedGen C5201146, MONDO:0008523, OMIM 186580.

Allele frequency attached by ClinVar (database versions not stated): gnomAD 0.00001; TOPMed 0.00001.
gnomAD v4.1: 7 of 1,613,912 alleles (0.00043%); highest among the groups gnomAD compares: Non-Finnish European, 0.00059%; no homozygotes.

Submission:

Labcorp Genetics (formerly Invitae), Labcorp
Classification: Uncertain significance for Regional enteritis; Blau syndrome. Last evaluated: 2022-08-15. Review status: criteria provided, single submitter. Criteria: Invitae Variant Classification Sherloc (09022015). Collection method: clinical testing. Allele origin: germline.
Comment: In summary, the available evidence is currently insufficient to determine the role of this variant in disease. Therefore, it has been classified as a Variant of Uncertain Significance. Advanced modeling of protein sequence and biophysical properties (such as structural, functional, and spatial information, amino acid conservation, physicochemical variation, residue mobility, and thermodynamic stability) performed at Invitae indicates that this missense variant is not expected to disrupt NOD2 protein function. ClinVar contains an entry for this variant (Variation ID: 655642). This variant has not been reported in the literature in individuals affected with NOD2-related conditions. This variant is not present in population databases (gnomAD no frequency). This sequence change replaces leucine, which is neutral and non-polar, with glutamine, which is neutral and polar, at codon 44 of the NOD2 protein (p.Leu44Gln).